The following is an entry in ClinVar:

ClinVar aggregate classification (germline): Conflicting classifications of pathogenicity. Review status: criteria provided, conflicting classifications (1 of 4 stars). 6 submissions from 6 submitters: Uncertain significance (3); Likely benign (3). Last evaluated 2026-06-01.

Conditions:
Aortic aneurysm, familial thoracic 4 (AAT4). Also called: AORTIC ANEURYSM/AORTIC DISSECTION AND PATENT DUCTUS ARTERIOSUS. Identifiers: MedGen C1851504, MONDO:0007568, OMIM 132900.
MYH11-related disorder. Also called: MYH11-related condition.
Familial thoracic aortic aneurysm and aortic dissection (TAAD). Also called: Thoracic aortic aneurysms and dissections. Identifiers: Orphanet 91387, MedGen C4707243, MONDO:0019625.

Allele frequency attached by ClinVar (database versions not stated): ExAC 0.00001; gnomAD 0.00002 and 0.00003; gnomAD exomes 0.00002; TOPMed 0.00002.
gnomAD v4.1: 28 of 1,614,092 alleles (0.0017%); highest among the groups gnomAD compares: Non-Finnish European, 0.0023%; no homozygotes.

Submissions (6):

PreventionGenetics, part of Exact Sciences
Classification: Uncertain significance for MYH11-related condition. Last evaluated: 2026-06-01. Review status: criteria provided, single submitter. Criteria: ACMG Guidelines, 2015. Collection method: clinical testing. Allele origin: germline.
Comment: The MYH11 c.415G>A variant is predicted to result in the amino acid substitution p.Val139Ile. This variant has been observed in an individual from a cohort of patients with heritable thoracic aortic aneurysm and dissection, and reported as a variant of uncertain significance (VUS) (Table S2, Yang et al. 2023. PubMed ID: 36517271). This variant is reported in 0.0035% of alleles in individuals of European (Non-Finnish) descent in gnomAD. At this time, the clinical significance of this variant is uncertain due to the absence of conclusive functional and genetic evidence.

Labcorp Genetics (formerly Invitae), Labcorp
Classification: Uncertain significance for Aortic aneurysm, familial thoracic 4. Last evaluated: 2025-11-13. Review status: criteria provided, single submitter. Criteria: Invitae Variant Classification Sherloc (09022015). Collection method: clinical testing. Allele origin: germline.
Comment: This sequence change replaces valine, which is neutral and non-polar, with isoleucine, which is neutral and non-polar, at codon 139 of the MYH11 protein (p.Val139Ile). This variant is present in population databases (rs745609580, gnomAD 0.004%). This missense change has been observed in individual(s) with MYH11-related conditions (PMID: 36517271). ClinVar contains an entry for this variant (Variation ID: 919601). Invitae Evidence Modeling of protein sequence and biophysical properties (such as structural, functional, and spatial information, amino acid conservation, physicochemical variation, residue mobility, and thermodynamic stability) indicates that this missense variant is not expected to disrupt MYH11 protein function with a negative predictive value of 95%. In summary, the available evidence is currently insufficient to determine the role of this variant in disease. Therefore, it has been classified as a Variant of Uncertain Significance.

Ambry Genetics
Classification: Likely benign for Familial thoracic aortic aneurysm and aortic dissection. Last evaluated: 2025-11-06. Review status: criteria provided, single submitter. Criteria: Ambry Variant Classification Scheme 2023. Collection method: clinical testing. Allele origin: germline.

GeneDx
Classification: Uncertain significance. Last evaluated: 2024-12-02. Review status: criteria provided, single submitter. Criteria: GeneDx Variant Classification Process June 2021. Collection method: clinical testing. Allele origin: germline. Affected: yes.
Comment: Has not been previously published as pathogenic or benign to our knowledge; In silico analysis indicates that this missense variant does not alter protein structure/function; Not observed at significant frequency in large population cohorts (gnomAD)

Color Diagnostics, LLC DBA Color Health
Classification: Likely benign for Familial thoracic aortic aneurysm and aortic dissection. Last evaluated: 2024-09-12. Review status: criteria provided, single submitter. Criteria: ACMG Guidelines, 2015. Collection method: clinical testing. Allele origin: germline.

All of Us Research Program, National Institutes of Health
Classification: Likely benign for Familial thoracic aortic aneurysm and aortic dissection. Last evaluated: 2023-12-18. Review status: criteria provided, single submitter. Criteria: ACMG Guidelines, 2015. Collection method: clinical testing. Allele origin: germline. Inheritance: Autosomal dominant inheritance. Observed: 9 variant alleles, 9 heterozygotes.
Comment: This study involves interpretation of variants in research participants for the purpose of population health screening. Participant phenotype was not available at the time of variant classification. Additional details can be found in publication PMID: 35346344, PMCID: PMC8962531

Literature cited by the submitters: PubMed 36517271 (cited by Labcorp Genetics (formerly Invitae), Labcorp and Ambry Genetics).

NM_002474.3(MYH11):c.415G>A (p.Val139Ile)

Gene: MYH11 (myosin heavy chain 11; minus strand). Cytogenetic location: 16p13.11.
Variant type: single nucleotide variant.
Coding change: c.415G>A on transcript NM_002474.3 (MANE Select); coding-DNA position 415, G replaced by A.
Protein change: p.Val139Ile; replaces valine 139 with isoleucine.
Molecular consequence: missense variant.
Genome position (GRCh38, 1-based): chr16:15,823,342, C>T on the plus strand (G>A on the coding strand, the complement: MYH11 is on the minus strand). VCF-style: chr16-15823342-C-T. GRCh37 (hg19) VCF-style: chr16-15917199-C-T.
Other names: c.415G>A, p.Val139Ile (NM_001040113.2, NM_001040114.2, NM_022844.3); short protein forms V139I.
Identifiers: ClinVar variation 919601 (VCV000919601.19), dbSNP rs745609580, ClinGen allele CA7923052.